The following is an entry in ClinVar:

ClinVar aggregate classification (germline): Uncertain significance (1 of 4 stars; one submission).

Conditions:
Left ventricular noncompaction 8 (LVNC8). Identifiers: Orphanet 154, Orphanet 54260, MedGen C3809288, MONDO:0014152, OMIM 615373.

Submission:

Labcorp Genetics (formerly Invitae), Labcorp
Classification: Uncertain significance for Left ventricular noncompaction 8. Last evaluated: 2025-10-09. Review status: criteria provided, single submitter. Criteria: Invitae Variant Classification Sherloc (09022015). Collection method: clinical testing. Allele origin: germline.
Comment: This sequence change replaces glycine, which is neutral and non-polar, with arginine, which is basic and polar, at codon 15 of the PRDM16 protein (p.Gly15Arg). This variant is not present in population databases (gnomAD no frequency). This variant has not been reported in the literature in individuals affected with PRDM16-related conditions. An algorithm developed to predict the effect of missense changes on protein structure and function (PolyPhen-2) suggests that this variant is likely to be disruptive. In summary, the available evidence is currently insufficient to determine the role of this variant in disease. Therefore, it has been classified as a Variant of Uncertain Significance.

NM_022114.4(PRDM16):c.43G>C (p.Gly15Arg)

Gene: PRDM16 (PR/SET domain 16; plus strand). Cytogenetic location: 1p36.32.
Variant type: single nucleotide variant.
Coding change: c.43G>C on transcript NM_022114.4 (MANE Select); coding-DNA position 43, G replaced by C.
Protein change: p.Gly15Arg; replaces glycine 15 with arginine.
Molecular consequence: missense variant.
Genome position (GRCh38, 1-based): chr1:3,186,130, G>C. VCF-style: chr1-3186130-G-C. GRCh37 (hg19) VCF-style: chr1-3102694-G-C.
Other names: c.43G>C, p.Gly15Arg (NM_199454.3); short protein forms G15R.
Identifiers: ClinVar variation 4728842 (VCV004728842.1).